The following is an entry in ClinVar:

NM_000719.7(CACNA1C):c.2570C>T (p.Pro857Leu)

Gene: CACNA1C (calcium voltage-gated channel subunit alpha1 C; plus strand). Cytogenetic location: 12p13.33.
Variant type: single nucleotide variant.
Coding change: c.2570C>T on transcript NM_000719.7 (MANE Select); coding-DNA position 2570, C replaced by T.
Protein change: p.Pro857Leu; replaces proline 857 with leucine.
Molecular consequence: missense variant.
Genome position (GRCh38, 1-based): chr12:2,593,252, C>T. VCF-style: chr12-2593252-C-T. GRCh37 (hg19) VCF-style: chr12-2702418-C-T.
Other names: c.2570C>T, p.Pro857Leu (NM_001129827.2, NM_001129829.2, NM_001129830.3 and 18 more transcripts); c.2561C>T, p.Pro854Leu (NM_001129844.2); short protein forms P857L, P854L.
Identifiers: ClinVar variation 222515 (VCV000222515.55), dbSNP rs750835733, ClinGen allele CA353931.

ClinVar aggregate classification (germline): Conflicting classifications of pathogenicity. Review status: criteria provided, conflicting classifications (1 of 4 stars). 3 submissions from 3 submitters: Likely pathogenic (1); Uncertain significance (1). 1 of the submissions does not count toward it. Last evaluated 2022-09-10.

Conditions:
CACNA1C-related disorder. Also called: CACNA1C-related disorders; CACNA1C-related condition. Identifiers: MedGen CN381092, MONDO:0700321.
Long QT syndrome 8. Identifiers: MedGen CN260585, MONDO:0032756, OMIM 618447.
Long QT syndrome (LQTS). Identifiers: MedGen C0023976, MeSH D008133, MONDO:0002442. Disease mechanism: loss of function. Inheritance: Various modes of inheritance.

Submissions (3):

Labcorp Genetics (formerly Invitae), Labcorp
Classification: Uncertain significance for Long QT syndrome. Last evaluated: 2022-09-10. Review status: criteria provided, single submitter. Criteria: Invitae Variant Classification Sherloc (09022015). Collection method: clinical testing. Allele origin: germline.
Comment: This variant is not present in population databases (gnomAD no frequency). This missense change has been observed in individuals with long QT syndrome (PMID: 23677916, 28600387; Invitae). ClinVar contains an entry for this variant (Variation ID: 222515). Advanced modeling of protein sequence and biophysical properties (such as structural, functional, and spatial information, amino acid conservation, physicochemical variation, residue mobility, and thermodynamic stability) has been performed at Invitae for this missense variant, however the output from this modeling did not meet the statistical confidence thresholds required to predict the impact of this variant on CACNA1C protein function. This variant disrupts the p.Pro857 amino acid residue in CACNA1C. Other variant(s) that disrupt this residue have been determined to be pathogenic (PMID: 23677916, 32161207; Invitae). This suggests that this residue is clinically significant, and that variants that disrupt this residue are likely to be disease-causing. In summary, the available evidence is currently insufficient to determine the role of this variant in disease. Therefore, it has been classified as a Variant of Uncertain Significance. This sequence change replaces proline, which is neutral and non-polar, with leucine, which is neutral and non-polar, at codon 857 of the CACNA1C protein (p.Pro857Leu).

Blueprint Genetics
Classification: Likely pathogenic for CACNA1C-related disorders. Last evaluated: 2019-03-06. Review status: criteria provided, single submitter. Criteria: ACMG Guidelines, 2015. Collection method: clinical testing. Allele origin: germline. Affected: yes. Observed: 2 variant alleles.

OMIM
Classification: Pathogenic for LONG QT SYNDROME 8. Last evaluated: 2021-08-06. Review status: no assertion criteria provided. Collection method: literature only. Allele origin: germline. Not counted in ClinVar's aggregate classification.

Literature cited by the submitters: PubMed 23677916 (cited by Labcorp Genetics (formerly Invitae), Labcorp and OMIM); PubMed 28600387 (cited by Labcorp Genetics (formerly Invitae), Labcorp); PubMed 32161207 (cited by Labcorp Genetics (formerly Invitae), Labcorp).